The following is an entry in ClinVar:

NM_000051.4(ATM):c.7013_7015dup (p.Leu2338_Arg2339insMet)

Genes: C11orf65 (chromosome 11 open reading frame 65; minus strand), ATM (ATM serine/threonine kinase; plus strand). Cytogenetic location: 11q22.3.
Variant type: Duplication.
Coding change: c.7013_7015dup on transcript NM_000051.4 (MANE Select); coding-DNA positions 7013 to 7015, 3 bases duplicated (TGA; older notation c.7013_7015dupTGA).
Protein change: p.Leu2338_Arg2339insMet.
Molecular consequence: inframe insertion. On other transcripts: intron variant (2).
Genome position (GRCh38, 1-based): chr11:108,327,682-108,327,684, TGA duplicated. VCF-style (leftmost placement, unchanged base first): chr11-108327681-C-CTGA. GRCh37 (hg19) VCF-style: chr11-108198408-C-CTGA.
Other names: c.7013_7015dup, p.Leu2338_Arg2339insMet (NM_001351834.2); c.641-18613_641-18611dup (NM_001330368.2); c.*38+7536_*38+7538dup (NM_001351110.2).
Identifiers: ClinVar variation 3645443 (VCV003645443.2).

ClinVar aggregate classification (germline): Uncertain significance (1 of 4 stars; one submission).

Conditions:
Ataxia-telangiectasia syndrome (AT). Also called: Ataxia-telangiectasia, complementation group D; AT, COMPLEMENTATION GROUP C; ATAXIA-TELANGIECTASIA, COMPLEMENTATION GROUP A; ATAXIA-TELANGIECTASIA, FRESNO VARIANT; Ataxia-telangiectasia; Ataxia-telangiectasia, complementation group E. Identifiers: Orphanet 100, MedGen C0004135, MONDO:0008840, OMIM 208900.

Submission:

Labcorp Genetics (formerly Invitae), Labcorp
Classification: Uncertain significance for Ataxia-telangiectasia syndrome. Last evaluated: 2024-03-12. Review status: criteria provided, single submitter. Criteria: Invitae Variant Classification Sherloc (09022015). Collection method: clinical testing. Allele origin: germline.
Comment: This variant, c.7013_7015dup, results in the insertion of 1 amino acid(s) of the ATM protein (p.Leu2338_Arg2339insMet), but otherwise preserves the integrity of the reading frame. This variant is not present in population databases (gnomAD no frequency). This variant has not been reported in the literature in individuals affected with ATM-related conditions. In summary, the available evidence is currently insufficient to determine the role of this variant in disease. Therefore, it has been classified as a Variant of Uncertain Significance.